The following is an entry in ClinVar:

ClinVar aggregate classification (germline): Uncertain significance (1 of 4 stars; one submission).

Submission:

GeneDx
Classification: Uncertain significance. Last evaluated: 2021-06-28. Review status: criteria provided, single submitter. Criteria: GeneDx Variant Classification Process June 2021. Collection method: clinical testing. Allele origin: germline. Affected: yes.
Comment: Not observed in large population cohorts (Lek et al., 2016); In silico analysis, which includes protein predictors and evolutionary conservation, supports a deleterious effect; Has not been previously published as pathogenic or benign to our knowledge; This variant is associated with the following publications: (PMID: 27535533)

NM_003482.4(KMT2D):c.15229C>G (p.Leu5077Val)

Gene: KMT2D (lysine methyltransferase 2D; minus strand). Cytogenetic location: 12q13.12.
Variant type: single nucleotide variant.
Coding change: c.15229C>G on transcript NM_003482.4 (MANE Select); coding-DNA position 15229, C replaced by G.
Protein change: p.Leu5077Val; replaces leucine 5077 with valine.
Molecular consequence: missense variant.
Genome position (GRCh38, 1-based): chr12:49,026,737, G>C on the plus strand (C>G on the coding strand, the complement: KMT2D is on the minus strand). VCF-style: chr12-49026737-G-C. GRCh37 (hg19) VCF-style: chr12-49420520-G-C.
Other names: short protein forms L5077V.
Identifiers: ClinVar variation 1313474 (VCV001313474.2), dbSNP rs2120362253, ClinGen allele CA384689028.
Genomic context (GRCh38, chr12:49,026,737, plus strand): 5'-GCTGGCACAGGGAGCACTTGGTTAGCAGTCCTCGGTGCAGGGCAACCTCCACATTCATCA[G>C]TGCCCCGCCCTGGGTCTCATACACCTCCGTGGACCAAAGGGCACAGTTGAGGTGCACCCA-3'
Protein context (NP_003473.3, residues 5067-5087): TEVYETQGGA[Leu5077Val]MNVEVALHRG